The following is an entry in ClinVar:

NM_000381.4(MID1):c.446C>G (p.Thr149Ser)

Gene: MID1 (midline 1; minus strand). Cytogenetic location: Xp22.2.
Variant type: single nucleotide variant.
Coding change: c.446C>G on transcript NM_000381.4 (MANE Select); coding-DNA position 446, C replaced by G.
Protein change: p.Thr149Ser; replaces threonine 149 with serine.
Molecular consequence: missense variant.
Genome position (GRCh38, 1-based): chrX:10,567,102, G>C on the plus strand (C>G on the coding strand, the complement: MID1 is on the minus strand). VCF-style: chrX-10567102-G-C. GRCh37 (hg19) VCF-style: chrX-10535142-G-C.
Other names: c.446C>G, p.Thr149Ser (NM_001193278.1, NM_001193279.1, NM_001193280.1 and 5 more transcripts); short protein forms T149S.
Identifiers: ClinVar variation 2659978 (VCV002659978.24), dbSNP rs2519200509, ClinGen allele CA412048333.

ClinVar aggregate classification (germline): Uncertain significance (1 of 4 stars; one submission).

Submission:

CeGaT Center for Human Genetics Tuebingen
Classification: Uncertain significance. Last evaluated: 2022-04-01. Review status: criteria provided, single submitter. Criteria: CeGaT Center For Human Genetics Tuebingen Variant Classification Criteria Version 2. Collection method: clinical testing. Allele origin: germline. Affected: yes. Observed: 1 variant allele.
Comment: MID1: PM2, PP3